The following is an entry in ClinVar:

NM_144999.4(LRRC45):c.204C>T (p.Cys68=)

Gene: LRRC45 (leucine rich repeat containing 45; plus strand). Cytogenetic location: 17q25.3.
Variant type: single nucleotide variant.
Coding change: c.204C>T on transcript NM_144999.4 (MANE Select); coding-DNA position 204, C replaced by T.
Protein change: p.Cys68=; no amino-acid change (cysteine 68 retained).
Molecular consequence: synonymous variant.
Genome position (GRCh38, 1-based): chr17:82,023,847, C>T. VCF-style: chr17-82023847-C-T. GRCh37 (hg19) VCF-style: chr17-79981723-C-T.
Identifiers: ClinVar variation 4977192 (VCV004977192.1).

ClinVar aggregate classification (germline): Uncertain significance (1 of 4 stars; one submission).

Conditions:
LRRC45-related disorder. Also called: LRRC45-related condition.

Submission:

PreventionGenetics, part of Exact Sciences
Classification: Uncertain significance for LRRC45-related condition. Last evaluated: 2025-10-09. Review status: criteria provided, single submitter. Criteria: ACMG Guidelines, 2015. Collection method: clinical testing. Allele origin: germline.
Comment: The LRRC45 c.204C>T variant is not predicted to result in an amino acid change (p.=). This variant is predicted to alter splicing based on available splicing prediction software (SpliceAI, Jaganathan et al. 2019. PubMed ID: 30661751). However, the use of computer prediction software is not equivalent to functional evidence. To our knowledge, this variant has not been reported in the literature or in a large population database (gnomAD), indicating this variant is rare. At this time, the clinical significance of this variant is uncertain due to the absence of conclusive functional and genetic evidence.